The following is an entry in ClinVar:

ClinVar aggregate classification (germline): Uncertain significance (1 of 4 stars; one submission).

Submission:

Laboratorio de Genetica e Diagnostico Molecular, Hospital Israelita Albert Einstein
Classification: Uncertain significance. Last evaluated: 2019-06-11. Review status: criteria provided, single submitter. Criteria: ACMG Guidelines, 2015. Collection method: clinical testing. Allele origin: germline. Affected: yes.
Comment: ACMG classification criteria: PM1, PM2, PP3

NM_004826.4(ECEL1):c.2057C>T (p.Ala686Val)

Gene: ECEL1 (endothelin converting enzyme like 1; minus strand). Cytogenetic location: 2q37.1.
Variant type: single nucleotide variant.
Coding change: c.2057C>T on transcript NM_004826.4 (MANE Select); coding-DNA position 2057, C replaced by T.
Protein change: p.Ala686Val; replaces alanine 686 with valine.
Molecular consequence: missense variant.
Genome position (GRCh38, 1-based): chr2:232,480,812, G>A on the plus strand (C>T on the coding strand, the complement: ECEL1 is on the minus strand). VCF-style: chr2-232480812-G-A. GRCh37 (hg19) VCF-style: chr2-233345522-G-A.
Other names: c.2051C>T, p.Ala684Val (NM_001290787.2); short protein forms A684V, A686V.
Identifiers: ClinVar variation 1691028 (VCV001691028.2), dbSNP rs1380660351, ClinGen allele CA350996675.